The following is an entry in ClinVar:

ClinVar aggregate classification (germline): Pathogenic (1 of 4 stars; one submission).

Allele frequency attached by ClinVar (database versions not stated): gnomAD exomes below 0.00001; gnomAD 0.00001.
gnomAD v4.1: 2 of 1,614,008 alleles (0.00012%); highest among the groups gnomAD compares: Non-Finnish European, 0.000085%; no homozygotes.

Submission:

Labcorp Genetics (formerly Invitae), Labcorp
Classification: Pathogenic. Last evaluated: 2022-10-13. Review status: criteria provided, single submitter. Criteria: Invitae Variant Classification Sherloc (09022015). Collection method: clinical testing. Allele origin: germline.
Comment: This sequence change creates a premature translational stop signal (p.Glu1330*) in the ABCA4 gene. It is expected to result in an absent or disrupted protein product. Loss-of-function variants in ABCA4 are known to be pathogenic (PMID: 10958761, 24938718, 25312043, 26780318). This variant is not present in population databases (gnomAD no frequency). This premature translational stop signal has been observed in individual(s) with Stargardt disease (PMID: 23755871, 32036094). For these reasons, this variant has been classified as Pathogenic.

Literature cited by the submitters: PubMed 10958761; PubMed 24938718; PubMed 25312043; PubMed 26780318; PubMed 23755871; PubMed 32036094.

NM_000350.3(ABCA4):c.3988G>T (p.Glu1330Ter)

Gene: ABCA4 (ATP binding cassette subfamily A member 4; minus strand). Cytogenetic location: 1p22.1.
Variant type: single nucleotide variant.
Coding change: c.3988G>T on transcript NM_000350.3 (MANE Select); coding-DNA position 3988, G replaced by T.
Protein change: p.Glu1330Ter; replaces glutamic acid 1330 with a stop codon.
Molecular consequence: nonsense.
Genome position (GRCh38, 1-based): chr1:94,031,918, C>A on the plus strand (G>T on the coding strand, the complement: ABCA4 is on the minus strand). VCF-style: chr1-94031918-C-A. GRCh37 (hg19) VCF-style: chr1-94497474-C-A.
Other names: c.3766G>T, p.Glu1256Ter (NM_001425324.1); short protein forms E1330*, E1256*.
Identifiers: ClinVar variation 2202788 (VCV002202788.4), dbSNP rs1660216799, ClinGen allele CA341287536.
Genomic context (GRCh38, chr1:94,031,918, plus strand): 5'-GCTGTGTCCCCGTGTTGAGCTGCGGGCCTGGGCACTCTGGCTCTGGGGGAGGCTGGCCCT[C>A]TGGGTGAGCAGCCGGCGCCCCTGGGGAGCAGACATTGGAGTCCTGGGGTGTCTGTCCAGC-3'